The following is an entry in ClinVar:

ClinVar aggregate classification (germline): Uncertain significance (1 of 4 stars; one submission).

Allele frequency attached by ClinVar (database versions not stated): TOPMed below 0.00001; gnomAD 0.00001.
gnomAD v4.1: 2 of 1,613,908 alleles (0.00012%); highest among the groups gnomAD compares: Non-Finnish European, 0.00017%; no homozygotes.

Submission:

Labcorp Genetics (formerly Invitae), Labcorp
Classification: Uncertain significance. Last evaluated: 2022-10-04. Review status: criteria provided, single submitter. Criteria: Invitae Variant Classification Sherloc (09022015). Collection method: clinical testing. Allele origin: germline.
Comment: This sequence change replaces threonine, which is neutral and polar, with lysine, which is basic and polar, at codon 2157 of the CDH23 protein (p.Thr2157Lys). In summary, the available evidence is currently insufficient to determine the role of this variant in disease. Therefore, it has been classified as a Variant of Uncertain Significance. Advanced modeling of protein sequence and biophysical properties (such as structural, functional, and spatial information, amino acid conservation, physicochemical variation, residue mobility, and thermodynamic stability) performed at Invitae indicates that this missense variant is not expected to disrupt CDH23 protein function. This variant has not been reported in the literature in individuals affected with CDH23-related conditions. This variant is not present in population databases (gnomAD no frequency).

NM_022124.6(CDH23):c.6470C>A (p.Thr2157Lys)

Gene: CDH23 (cadherin related 23; plus strand). Cytogenetic location: 10q22.1.
Variant type: single nucleotide variant.
Coding change: c.6470C>A on transcript NM_022124.6 (MANE Select); coding-DNA position 6470, C replaced by A.
Protein change: p.Thr2157Lys; replaces threonine 2157 with lysine.
Molecular consequence: missense variant.
Genome position (GRCh38, 1-based): chr10:71,793,398, C>A. VCF-style: chr10-71793398-C-A. GRCh37 (hg19) VCF-style: chr10-73553155-C-A.
Other names: short protein forms T2157K.
Identifiers: ClinVar variation 2414762 (VCV002414762.6), dbSNP rs1385953170, ClinGen allele CA377155136.
Genomic context (GRCh38, chr10:71,793,398, plus strand): 5'-AGGAGTCCTACAGGCTAACGGTGGTGGCCACCGACCGGGGCACCGTTCCTCTCTCGGGCA[C>A]AGCCATTGTCACCATTCTGATCGATGACATCAATGACTCCCGCCCCGAGTTCCTCAACCC-3'
Protein context (NP_071407.4, residues 2147-2167): TDRGTVPLSG[Thr2157Lys]AIVTILIDDI